The following is an entry in ClinVar:

NM_018444.4(PDP1):c.557T>A (p.Leu186Gln)

Gene: PDP1 (pyruvate dehydrogenase phosphatase catalytic subunit 1; plus strand). Cytogenetic location: 8q22.1.
Variant type: single nucleotide variant.
Coding change: c.557T>A on transcript NM_018444.4 (MANE Select); coding-DNA position 557, T replaced by A.
Protein change: p.Leu186Gln; replaces leucine 186 with glutamine.
Molecular consequence: missense variant.
Genome position (GRCh38, 1-based): chr8:93,922,616, T>A. VCF-style: chr8-93922616-T-A. GRCh37 (hg19) VCF-style: chr8-94934844-T-A.
Other names: c.632T>A, p.Leu211Gln (NM_001161779.2, NM_001161780.2); c.557T>A, p.Leu186Gln (NM_001161781.2); short protein forms L186Q, L211Q.
Identifiers: ClinVar variation 2778049 (VCV002778049.3), dbSNP rs572895007, ClinGen allele CA371692645.
Genomic context (GRCh38, chr8:93,922,616, plus strand): 5'-CTTTGTTACCCCATGAGACTTTGCTAGAGATTGAAAATGCAGTGGAGAGCGGCCGGGCAC[T>A]GCTACCCATTCTCCAGTGGCACAAGCACCCCAATGATTACTTTAGTAAGGAGGCATCCAA-3'
Protein context (NP_060914.2, residues 176-196): IENAVESGRA[Leu186Gln]LPILQWHKHP

ClinVar aggregate classification (germline): Uncertain significance (1 of 4 stars; one submission).

gnomAD v4.1: 4 of 1,614,192 alleles (0.00025%); highest among the groups gnomAD compares: Non-Finnish European, 0.00034%; no homozygotes.

Submission:

Labcorp Genetics (formerly Invitae), Labcorp
Classification: Uncertain significance. Last evaluated: 2023-09-05. Review status: criteria provided, single submitter. Criteria: Invitae Variant Classification Sherloc (09022015). Collection method: clinical testing. Allele origin: germline.
Comment: This sequence change replaces leucine, which is neutral and non-polar, with glutamine, which is neutral and polar, at codon 186 of the PDP1 protein (p.Leu186Gln). This variant is not present in population databases (gnomAD no frequency). In summary, the available evidence is currently insufficient to determine the role of this variant in disease. Therefore, it has been classified as a Variant of Uncertain Significance. An algorithm developed to predict the effect of missense changes on protein structure and function (PolyPhen-2) suggests that this variant is likely to be disruptive. This variant has not been reported in the literature in individuals affected with PDP1-related conditions.